The following is an entry in ClinVar:

ClinVar aggregate classification (germline): Uncertain significance. Review status: criteria provided, multiple submitters, no conflicts (2 of 4 stars). 2 submissions from 2 submitters: Uncertain significance (2). Last evaluated 2025-01-01.

Conditions:
Cardiovascular phenotype. Identifiers: MedGen CN230736.
Naxos disease (NXD). Also called: CARDIOMYOPATHY, ARRHYTHMOGENIC RIGHT VENTRICULAR, WITH SKIN, HAIR, AND NAIL ABNORMALITIES; KERATOSIS PALMOPLANTARIS WITH ARRHYTHMOGENIC CARDIOMYOPATHY; MAL DE NAXOS; PALMOPLANTAR KERATODERMA WITH ARRHYTHMOGENIC RIGHT VENTRICULAR CARDIOMYOPATHY AND WOOLLY HAIR; WOOLLY HAIR, PALMOPLANTAR KERATODERMA, AND CARDIAC ABNORMALITIES. Identifiers: Orphanet 34217, MedGen C1832600, MONDO:0011017, OMIM 601214.
Arrhythmogenic right ventricular dysplasia 12. Also called: ARRHYTHMOGENIC RIGHT VENTRICULAR DYSPLASIA, FAMILIAL, 12. Identifiers: MedGen C1969081, MONDO:0012684, OMIM 611528.

Submissions (2):

Labcorp Genetics (formerly Invitae), Labcorp
Classification: Uncertain significance for Arrhythmogenic right ventricular dysplasia 12; Naxos disease. Last evaluated: 2025-01-01. Review status: criteria provided, single submitter. Criteria: Invitae Variant Classification Sherloc (09022015). Collection method: clinical testing. Allele origin: germline.
Comment: This sequence change replaces proline, which is neutral and non-polar, with serine, which is neutral and polar, at codon 658 of the JUP protein (p.Pro658Ser). This variant is not present in population databases (gnomAD no frequency). This variant has not been reported in the literature in individuals affected with JUP-related conditions. ClinVar contains an entry for this variant (Variation ID: 1948999). An algorithm developed to predict the effect of missense changes on protein structure and function (PolyPhen-2) suggests that this variant is likely to be tolerated. In summary, the available evidence is currently insufficient to determine the role of this variant in disease. Therefore, it has been classified as a Variant of Uncertain Significance.

Ambry Genetics
Classification: Uncertain significance for Cardiovascular phenotype. Last evaluated: 2024-04-09. Review status: criteria provided, single submitter. Criteria: Ambry Variant Classification Scheme 2023. Collection method: clinical testing. Allele origin: germline.
Comment: The p.P658S variant (also known as c.1972C>T), located in coding exon 11 of the JUP gene, results from a C to T substitution at nucleotide position 1972. The proline at codon 658 is replaced by serine, an amino acid with similar properties. This amino acid position is conserved. In addition, this alteration is predicted to be tolerated by in silico analysis. Based on the available evidence, the clinical significance of this variant remains unclear.

NM_002230.4(JUP):c.1972C>T (p.Pro658Ser)

Gene: JUP (junction plakoglobin; minus strand). Cytogenetic location: 17q21.2.
Variant type: single nucleotide variant.
Coding change: c.1972C>T on transcript NM_002230.4 (MANE Select); coding-DNA position 1972, C replaced by T.
Protein change: p.Pro658Ser; replaces proline 658 with serine.
Molecular consequence: missense variant.
Genome position (GRCh38, 1-based): chr17:41,757,489, G>A on the plus strand (C>T on the coding strand, the complement: JUP is on the minus strand). VCF-style: chr17-41757489-G-A. GRCh37 (hg19) VCF-style: chr17-39913741-G-A.
Other names: c.1972C>T, p.Pro658Ser (NM_001352773.2, NM_001352774.2, NM_001352775.2 and 3 more transcripts); short protein forms P658S.
Identifiers: ClinVar variation 1948999 (VCV001948999.6), dbSNP rs2544032916, ClinGen allele CA399491888.